The following is an entry in ClinVar:

NM_002181.4(IHH):c.1145A>G (p.His382Arg)

Gene: IHH (Indian hedgehog signaling molecule; minus strand). Cytogenetic location: 2q35.
Variant type: single nucleotide variant.
Coding change: c.1145A>G on transcript NM_002181.4 (MANE Select); coding-DNA position 1145, A replaced by G.
Protein change: p.His382Arg; replaces histidine 382 with arginine.
Molecular consequence: missense variant.
Genome position (GRCh38, 1-based): chr2:219,055,298, T>C on the plus strand (A>G on the coding strand, the complement: IHH is on the minus strand). VCF-style: chr2-219055298-T-C. GRCh37 (hg19) VCF-style: chr2-219920020-T-C.
Other names: short protein forms H382R.
Identifiers: ClinVar variation 4992291 (VCV004992291.1).

ClinVar aggregate classification (germline): Uncertain significance (1 of 4 stars; one submission).

Conditions:
IHH-related disorder. Also called: IHH-related condition.

Submission:

PreventionGenetics, part of Exact Sciences
Classification: Uncertain significance for IHH-related condition. Last evaluated: 2025-10-25. Review status: criteria provided, single submitter. Criteria: ACMG Guidelines, 2015. Collection method: clinical testing. Allele origin: germline.
Comment: The IHH c.1145A>G variant is predicted to result in the amino acid substitution p.His382Arg. To our knowledge, this variant has not been reported in the literature or in a large population database (gnomAD), indicating this variant is rare. At this time, the clinical significance of this variant is uncertain due to the absence of conclusive functional and genetic evidence.